The following is an entry in ClinVar:

NM_000057.4(BLM):c.3437_3438del (p.Leu1145_Phe1146insTer)

Gene: BLM (BLM RecQ like helicase; plus strand). Cytogenetic location: 15q26.1.
Variant type: Deletion.
Coding change: c.3437_3438del on transcript NM_000057.4 (MANE Select); coding-DNA positions 3437 to 3438, 2 bases deleted (TT; older notation c.3437_3438delTT).
Protein change: p.Leu1145_Phe1146insTer.
Molecular consequence: nonsense. On other transcripts: intron variant (1).
Genome position (GRCh38, 1-based): chr15:90,803,599-90,803,600, TT deleted; deleting any 2 consecutive bases within chr15:90,803,596-90,803,600 gives the same sequence; the c. name uses the placement nearest the transcript's 3' end. VCF-style (leftmost placement, unchanged base first): chr15-90803595-CTT-C. GRCh37 (hg19) VCF-style: chr15-91346825-CTT-C.
Other names: c.3437_3438del, p.Leu1145_Phe1146insTer (NM_001287246.2); c.2312_2313del, p.Leu770_Phe771insTer (NM_001287248.2); c.3358+5262_3358+5263del (NM_001287247.2); c.3437_3438delTT (NM_000057.3).
Identifiers: ClinVar variation 2154013 (VCV002154013.7), dbSNP rs770592505, ClinGen allele CA7739034.
Genomic context (GRCh38, chr15:90,803,595, plus strand): 5'-AAAATCCAGTCAGGTATATTTGGAAAAGGATCTGCTTATTCACGACACAATGCCGAAAGA[CTT>C]TTTAAAAAGCTGATACTTGACAAGATTTTGGATGAAGACTTATATATCAATGCCAATGAC-3'

ClinVar aggregate classification (germline): Pathogenic/Likely pathogenic. Review status: criteria provided, multiple submitters, no conflicts (2 of 4 stars). 3 submissions from 3 submitters: Pathogenic (1); Likely pathogenic (2). Last evaluated 2025-11-26.

Conditions:
Bloom syndrome (BLM). Also called: Bloom-Torre-Machacek syndrome. Identifiers: Orphanet 125, MedGen C0005859, MONDO:0008876, OMIM 210900.

Submissions (3):

Natera, Inc.
Classification: Likely pathogenic for Bloom syndrome. Last evaluated: 2025-11-26. Review status: criteria provided, single submitter. Criteria: Natera Variant Classification Schema (03/2026). Collection method: clinical testing. Allele origin: germline.
Comment: The c.3437_3438delTT variant in BLM is a frameshift variant predicted to shift the reading frame and introduce a stop codon. This variant is expected to result in nonsense mediated decay, truncation, or a dysfunctional protein product. This variant is rare in the general population with a frequency below the threshold expected for the associated phenotype(s). Given the available evidence, this variant is classified as Likely Pathogenic.

Labcorp Genetics (formerly Invitae), Labcorp
Classification: Pathogenic for Bloom syndrome. Last evaluated: 2024-10-22. Review status: criteria provided, single submitter. Criteria: Invitae Variant Classification Sherloc (09022015). Collection method: clinical testing. Allele origin: germline.
Comment: This sequence change creates a premature translational stop signal (p.Phe1146*) in the BLM gene. It is expected to result in an absent or disrupted protein product. Loss-of-function variants in BLM are known to be pathogenic (PMID: 17407155). This variant is present in population databases (rs770592505, gnomAD 0.0009%). This variant has not been reported in the literature in individuals affected with BLM-related conditions. ClinVar contains an entry for this variant (Variation ID: 2154013). For these reasons, this variant has been classified as Pathogenic.

Baylor Genetics
Classification: Likely pathogenic for Bloom syndrome. Last evaluated: 2024-02-12. Review status: criteria provided, single submitter. Criteria: ACMG Guidelines, 2015. Collection method: clinical testing. Allele origin: unknown.

Literature cited by the submitters: PubMed 17407155 (cited by Labcorp Genetics (formerly Invitae), Labcorp).